The following is an entry in ClinVar:

NM_001048174.2(MUTYH):c.421-5C>T

Gene: MUTYH (mutY DNA glycosylase; minus strand). Cytogenetic location: 1p34.1.
Variant type: single nucleotide variant.
Coding change: c.421-5C>T on transcript NM_001048174.2 (MANE Select); 5 bases into the intron before coding-DNA position 421, C replaced by T.
Molecular consequence: intron variant.
Genome position (GRCh38, 1-based): chr1:45,332,839, G>A on the plus strand (C>T on the coding strand, the complement: MUTYH is on the minus strand). VCF-style: chr1-45332839-G-A. GRCh37 (hg19) VCF-style: chr1-45798511-G-A.
Other names: c.76-5C>T (NM_001350651.2, NM_001350650.2); c.145-5C>T (NM_001293192.2, NM_001293196.2); c.421-5C>T (NM_001048171.2, NM_001048173.2, NM_001293195.2); c.466-5C>T (NM_001293190.2); c.496-5C>T (NM_012222.3); c.505-5C>T (NM_001128425.2); c.424-5C>T (NM_001048172.2); c.454-5C>T (NM_001293191.2).
Identifiers: ClinVar variation 238347 (VCV000238347.21), dbSNP rs878854191, ClinGen allele CA10581810.

ClinVar aggregate classification (germline): Likely benign. Review status: criteria provided, multiple submitters, no conflicts (2 of 4 stars). 5 submissions from 5 submitters: Likely benign (5). Last evaluated 2025-12-29.

Conditions:
Hereditary cancer-predisposing syndrome. Also called: Tumor predisposition; Hereditary neoplastic syndrome; Neoplastic Syndromes, Hereditary; Hereditary Cancer Syndrome. Identifiers: Orphanet 140162, MedGen C0027672, MeSH D009386, MONDO:0015356.
Familial adenomatous polyposis 2. Also called: FAP type 2; MUTYH Polyposis; MUTYH-related attenuated familial adenomatous polyposis; COLORECTAL ADENOMATOUS POLYPOSIS, AUTOSOMAL RECESSIVE; ADENOMAS, MULTIPLE COLORECTAL, AUTOSOMAL RECESSIVE; Adenomas, multiple colorectal. Identifiers: Orphanet 220460, Orphanet 247798, MedGen C3272841, MONDO:0012041, OMIM 608456.

Allele frequency attached by ClinVar (database versions not stated): gnomAD exomes below 0.00001 and 0.00001; gnomAD 0.00001; TOPMed 0.00001.
gnomAD v4.1: 11 of 1,614,070 alleles (0.00068%); highest among the groups gnomAD compares: Non-Finnish European, 0.00093%; no homozygotes.

Submissions (5):

Center for Genomic Medicine, Rigshospitalet, Copenhagen University Hospital
Classification: Likely benign. Last evaluated: 2025-12-29. Review status: criteria provided, single submitter. Criteria: ACMG Guidelines, 2015. Collection method: clinical testing. Allele origin: germline.

Labcorp Genetics (formerly Invitae), Labcorp
Classification: Likely benign for Familial adenomatous polyposis 2. Last evaluated: 2025-07-22. Review status: criteria provided, single submitter. Criteria: Invitae Variant Classification Sherloc (09022015). Collection method: clinical testing. Allele origin: germline.

All of Us Research Program, National Institutes of Health
Classification: Likely benign for Familial adenomatous polyposis 2. Last evaluated: 2023-12-13. Review status: criteria provided, single submitter. Criteria: ACMG Guidelines, 2015. Collection method: clinical testing. Allele origin: germline. Inheritance: Autosomal recessive inheritance. Observed: 1 variant allele, 1 heterozygote.
Comment: This study involves interpretation of variants in research participants for the purpose of population health screening. Participant phenotype was not available at the time of variant classification. Additional details can be found in publication PMID: 35346344, PMCID: PMC8962531

Ambry Genetics
Classification: Likely benign for Hereditary cancer-predisposing syndrome. Last evaluated: 2021-08-23. Review status: criteria provided, single submitter. Criteria: Ambry Variant Classification Scheme 2023. Collection method: clinical testing. Allele origin: germline.

Color Diagnostics, LLC DBA Color Health
Classification: Likely benign for Hereditary cancer-predisposing syndrome. Last evaluated: 2017-06-14. Review status: criteria provided, single submitter. Criteria: ACMG Guidelines, 2015. Collection method: clinical testing. Allele origin: germline.